The following is an entry in ClinVar:

ClinVar aggregate classification (germline): Uncertain significance (1 of 4 stars; one submission).

gnomAD v4.1: 349 of 1,566,098 alleles (0.022%); highest among the groups gnomAD compares: Non-Finnish European, 0.029%; no homozygotes.

Submission:

Labcorp Genetics (formerly Invitae), Labcorp
Classification: Uncertain significance. Last evaluated: 2022-06-27. Review status: criteria provided, single submitter. Criteria: Invitae Variant Classification Sherloc (09022015). Collection method: clinical testing. Allele origin: germline.
Comment: This sequence change replaces methionine, which is neutral and non-polar, with leucine, which is neutral and non-polar, at codon 460 of the DLL3 protein (p.Met460Leu). This variant is present in population databases (rs766274162, gnomAD 0.01%). This variant has not been reported in the literature in individuals affected with DLL3-related conditions. ClinVar contains an entry for this variant (Variation ID: 1051911). Algorithms developed to predict the effect of missense changes on protein structure and function are either unavailable or do not agree on the potential impact of this missense change (SIFT: "Deleterious"; PolyPhen-2: "Possibly Damaging"; Align-GVGD: "Class C0"). In summary, the available evidence is currently insufficient to determine the role of this variant in disease. Therefore, it has been classified as a Variant of Uncertain Significance.

NM_203486.3(DLL3):c.1378A>C (p.Met460Leu)

Gene: DLL3 (delta like canonical Notch ligand 3; plus strand). Cytogenetic location: 19q13.2.
Variant type: single nucleotide variant.
Coding change: c.1378A>C on transcript NM_203486.3 (MANE Select); coding-DNA position 1378, A replaced by C.
Protein change: p.Met460Leu; replaces methionine 460 with leucine.
Molecular consequence: missense variant.
Genome position (GRCh38, 1-based): chr19:39,507,323, A>C. VCF-style: chr19-39507323-A-C. GRCh37 (hg19) VCF-style: chr19-39997963-A-C.
Other names: c.1378A>C, p.Met460Leu (NM_016941.4); short protein forms M460L.
Identifiers: ClinVar variation 1051911 (VCV001051911.4), dbSNP rs766274162, ClinGen allele CA9432426.